The following is an entry in ClinVar:

ClinVar aggregate classification (germline): Pathogenic (1 of 4 stars; one submission).

Submission:

GeneDx
Classification: Pathogenic. Last evaluated: 2025-04-18. Review status: criteria provided, single submitter. Criteria: GeneDx Variant Classification Process June 2021. Collection method: clinical testing. Allele origin: germline. Affected: yes.
Comment: Frameshift variant predicted to result in abnormal protein length as the last 2798 amino acid(s) are replaced with 20 different amino acid(s), and other similar variants have been reported in HGMD; Not observed at significant frequency in large population cohorts (gnomAD); Has not been previously published as pathogenic or benign to our knowledge; This variant is associated with the following publications: (PMID: 37200867)

NM_002016.2(FLG):c.3250_3251del (p.Gln1084fs)

Genes: CCDST (cervical cancer associated DHX9 suppressive transcript; plus strand), FLG (filaggrin; minus strand). Cytogenetic location: 1q21.3.
Variant type: Microsatellite.
Coding change: c.3250_3251del on transcript NM_002016.2 (MANE Select); coding-DNA positions 3250 to 3251, 2 bases deleted (CA; older notation c.3250_3251delCA).
Protein change: p.Gln1084fs; shifts the reading frame from glutamine 1084.
Molecular consequence: frameshift variant.
Genome position (GRCh38, 1-based): chr1:152,311,635-152,311,636, TG deleted on the plus strand (CA on the coding strand, the reverse complement: FLG is on the minus strand); deleting any 2 consecutive bases within chr1:152,311,635-152,311,641 gives the same sequence; the c. name uses the placement nearest the transcript's 3' end. VCF-style (leftmost placement, unchanged base first): chr1-152311634-CTG-C. GRCh37 (hg19) VCF-style: chr1-152284110-CTG-C.
Other names: c.3250_3251delCA (NM_002016.1); c.3250_3251del (NM_002016.1); short protein forms Q1084fs.
Identifiers: ClinVar variation 504214 (VCV000504214.3), dbSNP rs1327598333, ClinGen allele CA526662252.